The following is an entry in ClinVar:

ClinVar aggregate classification (germline): Likely benign (1 of 4 stars; one submission).

Allele frequency attached by ClinVar (database versions not stated): TOPMed below 0.00001; gnomAD 0.00001.
gnomAD v4.1: 1 of 1,614,110 alleles (0.000062%); highest among the groups gnomAD compares: African/African-American, 0.0013%; no homozygotes.

Submission:

CeGaT Center for Human Genetics Tuebingen
Classification: Likely benign. Last evaluated: 2022-03-01. Review status: criteria provided, single submitter. Criteria: CeGaT Center For Human Genetics Tuebingen Variant Classification Criteria Version 2. Collection method: clinical testing. Allele origin: germline. Affected: yes. Observed: 1 variant allele.
Comment: CFAP65: BP1, BP4

NM_194302.4(CFAP65):c.3564C>A (p.Phe1188Leu)

Gene: CFAP65 (cilia and flagella associated protein 65; minus strand). Cytogenetic location: 2q35.
Variant type: single nucleotide variant.
Coding change: c.3564C>A on transcript NM_194302.4 (MANE Select); coding-DNA position 3564, C replaced by A.
Protein change: p.Phe1188Leu; replaces phenylalanine 1188 with leucine.
Molecular consequence: missense variant.
Genome position (GRCh38, 1-based): chr2:219,019,089, G>T on the plus strand (C>A on the coding strand, the complement: CFAP65 is on the minus strand). VCF-style: chr2-219019089-G-T. GRCh37 (hg19) VCF-style: chr2-219883811-G-T.
Other names: short protein forms F1188L.
Identifiers: ClinVar variation 2651906 (VCV002651906.24), dbSNP rs1048509047, ClinGen allele CA65919912.